The following is an entry in ClinVar:

ClinVar aggregate classification (germline): Likely benign. Review status: criteria provided, multiple submitters, no conflicts (2 of 4 stars). 2 submissions from 2 submitters: Likely benign (2). Last evaluated 2025-04-08.

Conditions:
Spastic ataxia 2. Also called: Ataxia, spastic, 2, autosomal recessive. Identifiers: Orphanet 397946, MedGen C1969796, MONDO:0012651, OMIM 611302.

Allele frequency attached by ClinVar (database versions not stated): gnomAD 0.00003.
gnomAD v4.1: 70 of 1,579,542 alleles (0.0044%); highest among the groups gnomAD compares: Non-Finnish European, 0.0058%; no homozygotes.

Submissions (2):

Labcorp Genetics (formerly Invitae), Labcorp
Classification: Likely benign for Spastic ataxia 2. Last evaluated: 2025-04-08. Review status: criteria provided, single submitter. Criteria: Invitae Variant Classification Sherloc (09022015). Collection method: clinical testing. Allele origin: germline.

CeGaT Center for Human Genetics Tuebingen
Classification: Likely benign. Last evaluated: 2022-09-01. Review status: criteria provided, single submitter. Criteria: CeGaT Center For Human Genetics Tuebingen Variant Classification Criteria Version 2. Collection method: clinical testing. Allele origin: germline. Affected: yes. Observed: 1 variant allele.
Comment: KIF1C: BP4, BP7

NM_006612.6(KIF1C):c.3123G>C (p.Arg1041=)

Gene: KIF1C (kinesin family member 1C; plus strand). Cytogenetic location: 17p13.2.
Variant type: single nucleotide variant.
Coding change: c.3123G>C on transcript NM_006612.6 (MANE Select); coding-DNA position 3123, G replaced by C.
Protein change: p.Arg1041=; no amino-acid change (arginine 1041 retained).
Molecular consequence: synonymous variant.
Genome position (GRCh38, 1-based): chr17:5,023,962, G>C. VCF-style: chr17-5023962-G-C. GRCh37 (hg19) VCF-style: chr17-4927257-G-C.
Identifiers: ClinVar variation 1711425 (VCV001711425.32), dbSNP rs562022125, ClinGen allele CA8319489.